The following is an entry in ClinVar:

ClinVar aggregate classification (germline): Uncertain significance (1 of 4 stars; one submission).

Conditions:
Familial hemophagocytic lymphohistiocytosis 5. Also called: STXBP2-Related Familial Hemophagocytic Lymphohistiocytosis (STXBP2-fHLH). Identifiers: Orphanet 540, MedGen C2751293, MONDO:0013135, OMIM 613101.

Allele frequency attached by ClinVar (database versions not stated): gnomAD exomes below 0.00001; ExAC 0.00001; gnomAD 0.00001; TOPMed 0.00002.
gnomAD v4.1: 6 of 1,613,952 alleles (0.00037%); highest among the groups gnomAD compares: African/African-American, 0.0027%; no homozygotes.

Submission:

Labcorp Genetics (formerly Invitae), Labcorp
Classification: Uncertain significance for Familial hemophagocytic lymphohistiocytosis 5. Last evaluated: 2023-08-24. Review status: criteria provided, single submitter. Criteria: Invitae Variant Classification Sherloc (09022015). Collection method: clinical testing. Allele origin: germline.
Comment: This sequence change replaces arginine, which is basic and polar, with glycine, which is neutral and non-polar, at codon 315 of the STXBP2 protein (p.Arg315Gly). This variant is present in population databases (rs747344322, gnomAD 0.007%). This variant has not been reported in the literature in individuals affected with STXBP2-related conditions. ClinVar contains an entry for this variant (Variation ID: 1486124). Advanced modeling of protein sequence and biophysical properties (such as structural, functional, and spatial information, amino acid conservation, physicochemical variation, residue mobility, and thermodynamic stability) performed at Invitae indicates that this missense variant is not expected to disrupt STXBP2 protein function. In summary, the available evidence is currently insufficient to determine the role of this variant in disease. Therefore, it has been classified as a Variant of Uncertain Significance.

NM_006949.4(STXBP2):c.943A>G (p.Arg315Gly)

Gene: STXBP2 (syntaxin binding protein 2; plus strand). Cytogenetic location: 19p13.2.
Variant type: single nucleotide variant.
Coding change: c.943A>G on transcript NM_006949.4 (MANE Select); coding-DNA position 943, A replaced by G.
Protein change: p.Arg315Gly; replaces arginine 315 with glycine.
Molecular consequence: missense variant. On other transcripts: non-coding transcript variant (1).
Genome position (GRCh38, 1-based): chr19:7,642,806, A>G. VCF-style: chr19-7642806-A-G. GRCh37 (hg19) VCF-style: chr19-7707692-A-G.
Other names: c.934A>G, p.Arg312Gly (NM_001127396.3); c.976A>G, p.Arg326Gly (NM_001272034.2); short protein forms R326G, R315G, R312G.
Identifiers: ClinVar variation 1486124 (VCV001486124.4), dbSNP rs747344322, ClinGen allele CA9143881.